The following is an entry in ClinVar:

NM_001365088.1(SLC12A6):c.483A>T (p.Gln161His)

Gene: SLC12A6 (solute carrier family 12 member 6; minus strand). Cytogenetic location: 15q14.
Variant type: single nucleotide variant.
Coding change: c.483A>T on transcript NM_001365088.1 (MANE Select); coding-DNA position 483, A replaced by T.
Protein change: p.Gln161His; replaces glutamine 161 with histidine.
Molecular consequence: missense variant.
Genome position (GRCh38, 1-based): chr15:34,258,873, T>A on the plus strand (A>T on the coding strand, the complement: SLC12A6 is on the minus strand). VCF-style: chr15-34258873-T-A. GRCh37 (hg19) VCF-style: chr15-34551074-T-A.
Other names: c.306A>T, p.Gln102His (NM_001042494.2, NM_001042495.2); c.456A>T, p.Gln152His (NM_001042496.2); c.438A>T, p.Gln146His (NM_001042497.2); c.330A>T, p.Gln110His (NM_005135.2); c.483A>T, p.Gln161His (NM_133647.2); short protein forms Q152H, Q161H, Q102H, Q146H, Q110H.
Identifiers: ClinVar variation 1352054 (VCV001352054.6), dbSNP rs1316809325, ClinGen allele CA391613589.
Genomic context (GRCh38, chr15:34,258,873, plus strand): 5'-CTTGGTGGGCTTCTTTTTCCCTTCAGTGATGTTTTCTGCCTCTTCATGTTCCTTTGCTCC[T>A]TGAGTCAGATTAGTGTAATTGGCCATGCGGTTGAGGAGGGAAGACACCTTCGGTCTGGTG-3'
Protein context (NP_001352017.1, residues 151-171): NRMANYTNLT[Gln161His]GAKEHEEAEN

ClinVar aggregate classification (germline): Uncertain significance (1 of 4 stars; one submission).

Allele frequency attached by ClinVar (database versions not stated): gnomAD exomes below 0.00001; TOPMed below 0.00001; gnomAD 0.00001.
gnomAD v4.1: 2 of 1,612,848 alleles (0.00012%); highest among the groups gnomAD compares: Admixed American, 0.0033%; no homozygotes.

Submission:

Labcorp Genetics (formerly Invitae), Labcorp
Classification: Uncertain significance. Last evaluated: 2023-10-03. Review status: criteria provided, single submitter. Criteria: Invitae Variant Classification Sherloc (09022015). Collection method: clinical testing. Allele origin: germline.
Comment: This sequence change replaces glutamine, which is neutral and polar, with histidine, which is basic and polar, at codon 161 of the SLC12A6 protein (p.Gln161His). This variant is not present in population databases (gnomAD no frequency). This variant has not been reported in the literature in individuals affected with SLC12A6-related conditions. ClinVar contains an entry for this variant (Variation ID: 1352054). Advanced modeling of protein sequence and biophysical properties (such as structural, functional, and spatial information, amino acid conservation, physicochemical variation, residue mobility, and thermodynamic stability) has been performed at Invitae for this missense variant, however the output from this modeling did not meet the statistical confidence thresholds required to predict the impact of this variant on SLC12A6 protein function. In summary, the available evidence is currently insufficient to determine the role of this variant in disease. Therefore, it has been classified as a Variant of Uncertain Significance.